The following is an entry in ClinVar:

ClinVar aggregate classification (germline): Uncertain significance (0 of 4 stars; one submission).

Conditions:
CHAMP1-related disorder. Also called: CHAMP1-related condition.

Submission:

PreventionGenetics, part of Exact Sciences
Classification: Uncertain significance for CHAMP1-related condition. Last evaluated: 2024-07-16. Review status: no assertion criteria provided. Collection method: clinical testing. Allele origin: germline.
Comment: The CHAMP1 c.2272G>T variant is predicted to result in the amino acid substitution p.Ala758Ser. To our knowledge, this variant has not been reported in the literature. This variant is reported in 0.0040% of alleles in individuals of African descent in gnomAD. At this time, the clinical significance of this variant is uncertain due to the absence of conclusive functional and genetic evidence.

NM_032436.4(CHAMP1):c.2272G>T (p.Ala758Ser)

Gene: CHAMP1 (chromosome alignment maintaining phosphoprotein 1; plus strand). Cytogenetic location: 13q34.
Variant type: single nucleotide variant.
Coding change: c.2272G>T on transcript NM_032436.4 (MANE Select); coding-DNA position 2272, G replaced by T.
Protein change: p.Ala758Ser; replaces alanine 758 with serine.
Molecular consequence: missense variant.
Genome position (GRCh38, 1-based): chr13:114,326,114, G>T. VCF-style: chr13-114326114-G-T. GRCh37 (hg19) VCF-style: chr13-115091589-G-T.
Other names: c.2272G>T, p.Ala758Ser (NM_001164144.3, NM_001164145.3); short protein forms A758S.
Identifiers: ClinVar variation 3344905 (VCV003344905.1).